The following is an entry in ClinVar:

NM_052844.4(DYNC2I2):c.703+4A>G

Gene: DYNC2I2 (dynein 2 intermediate chain 2; minus strand). Cytogenetic location: 9q34.11.
Variant type: single nucleotide variant.
Coding change: c.703+4A>G on transcript NM_052844.4 (MANE Select); 4 bases into the intron after coding-DNA position 703, A replaced by G.
Molecular consequence: intron variant.
Genome position (GRCh38, 1-based): chr9:128,636,277, T>C on the plus strand (A>G on the coding strand, the complement: DYNC2I2 is on the minus strand). VCF-style: chr9-128636277-T-C. GRCh37 (hg19) VCF-style: chr9-131398556-T-C.
Identifiers: ClinVar variation 2106884 (VCV002106884.4), dbSNP rs2542438046, ClinGen allele CA375120989.

ClinVar aggregate classification (germline): Uncertain significance (1 of 4 stars; one submission).

Conditions:
Short-rib thoracic dysplasia 11 with or without polydactyly (SRTD11). Also called: SHORT-RIB THORACIC DYSPLASIA 11 WITHOUT POLYDACTYLY. Identifiers: Orphanet 474, Orphanet 93271, MedGen C3810200, MONDO:0014287, OMIM 615633.

Submission:

Labcorp Genetics (formerly Invitae), Labcorp
Classification: Uncertain significance for Short-rib thoracic dysplasia 11 with or without polydactyly. Last evaluated: 2022-04-07. Review status: criteria provided, single submitter. Criteria: Invitae Variant Classification Sherloc (09022015). Collection method: clinical testing. Allele origin: germline.
Comment: Variants that disrupt the consensus splice site are a relatively common cause of aberrant splicing (PMID: 17576681, 9536098). Algorithms developed to predict the effect of sequence changes on RNA splicing suggest that this variant may create or strengthen a splice site. In summary, the available evidence is currently insufficient to determine the role of this variant in disease. Therefore, it has been classified as a Variant of Uncertain Significance. This variant has not been reported in the literature in individuals affected with WDR34-related conditions. This variant is not present in population databases (gnomAD no frequency). This sequence change falls in intron 4 of the WDR34 gene. It does not directly change the encoded amino acid sequence of the WDR34 protein. It affects a nucleotide within the consensus splice site.

Literature cited by the submitters: PubMed 17576681; PubMed 9536098.